The following is an entry in ClinVar:

ClinVar aggregate classification (germline): Uncertain significance (1 of 4 stars; one submission).

gnomAD v4.1: 3 of 1,472,050 alleles (0.0002%); highest among the groups gnomAD compares: Non-Finnish European, 0.00009%; no homozygotes.

Submission:

Labcorp Genetics (formerly Invitae), Labcorp
Classification: Uncertain significance. Last evaluated: 2025-01-24. Review status: criteria provided, single submitter. Criteria: Invitae Variant Classification Sherloc (09022015). Collection method: clinical testing. Allele origin: germline.
Comment: This sequence change affects codon 378 of the MAGEL2 mRNA. It is a 'silent' change, meaning that it does not change the encoded amino acid sequence of the MAGEL2 protein. This variant is present in population databases (rs748070610, gnomAD 0.03%). This variant has not been reported in the literature in individuals affected with MAGEL2-related conditions. In summary, the available evidence is currently insufficient to determine the role of this variant in disease. Therefore, it has been classified as a Variant of Uncertain Significance.

NM_019066.5(MAGEL2):c.1134G>A (p.Thr378=)

Gene: MAGEL2 (MAGE family member L2; minus strand). Cytogenetic location: 15q11.2.
Variant type: single nucleotide variant.
Coding change: c.1134G>A on transcript NM_019066.5 (MANE Select); coding-DNA position 1134, G replaced by A.
Protein change: p.Thr378=; no amino-acid change (threonine 378 retained).
Molecular consequence: synonymous variant.
Genome position (GRCh38, 1-based): chr15:23,646,609, C>T on the plus strand (G>A on the coding strand, the complement: MAGEL2 is on the minus strand). VCF-style: chr15-23646609-C-T. GRCh37 (hg19) VCF-style: chr15-23891756-C-T.
Identifiers: ClinVar variation 3604531 (VCV003604531.2).